The following is an entry in ClinVar:

ClinVar aggregate classification (germline): Uncertain significance (1 of 4 stars; one submission).

Conditions:
Neuropathy, hereditary sensory and autonomic, type 2A (HSAN2A). Also called: ACROOSTEOLYSIS, GIACCAI TYPE; ACROOSTEOLYSIS, NEUROGENIC; NEUROPATHY, CONGENITAL SENSORY; NEUROPATHY, HEREDITARY SENSORY RADICULAR, AUTOSOMAL RECESSIVE; NEUROPATHY, HEREDITARY SENSORY, TYPE IIA; NEUROPATHY, PROGRESSIVE SENSORY, OF CHILDREN. Identifiers: Orphanet 970, MedGen C2752089, MONDO:0024309, OMIM 201300.
Generalized epilepsy with febrile seizures plus, type 7 (GEFSP7). Also called: GEFS+, TYPE 7. Identifiers: Orphanet 36387, MedGen C2751778, MONDO:0013470, OMIM 613863.

Submission:

Labcorp Genetics (formerly Invitae), Labcorp
Classification: Uncertain significance for Neuropathy, hereditary sensory and autonomic, type 2A; Generalized epilepsy with febrile seizures plus, type 7. Last evaluated: 2021-04-13. Review status: criteria provided, single submitter. Criteria: Invitae Variant Classification Sherloc (09022015). Collection method: clinical testing. Allele origin: germline.
Comment: In summary, the available evidence is currently insufficient to determine the role of this variant in disease. Therefore, it has been classified as a Variant of Uncertain Significance. Algorithms developed to predict the effect of missense changes on protein structure and function (SIFT, PolyPhen-2, Align-GVGD) all suggest that this variant is likely to be tolerated, but these predictions have not been confirmed by published functional studies and their clinical significance is uncertain. This variant has not been reported in the literature in individuals with SCN9A-related conditions. This variant is not present in population databases (ExAC no frequency). This sequence change replaces histidine with arginine at codon 1058 of the SCN9A protein (p.His1058Arg). The histidine residue is weakly conserved and there is a small physicochemical difference between histidine and arginine.

NM_001365536.1(SCN9A):c.3206A>G (p.His1069Arg)

Genes: SCN1A-AS1 (SCN1A and SCN9A antisense RNA 1; plus strand), SCN9A (sodium voltage-gated channel alpha subunit 9; minus strand). Cytogenetic location: 2q24.3.
Variant type: single nucleotide variant.
Coding change: c.3206A>G on transcript NM_001365536.1 (MANE Select); coding-DNA position 3206, A replaced by G.
Protein change: p.His1069Arg; replaces histidine 1069 with arginine.
Molecular consequence: missense variant.
Genome position (GRCh38, 1-based): chr2:166,272,544, T>C on the plus strand (A>G on the coding strand, the complement: SCN9A is on the minus strand). VCF-style: chr2-166272544-T-C. GRCh37 (hg19) VCF-style: chr2-167129054-T-C.
Other names: c.3173A>G, p.His1058Arg (NM_002977.4); short protein forms H1058R, H1069R.
Identifiers: ClinVar variation 1387440 (VCV001387440.8), dbSNP rs1157028159, ClinGen allele CA349073176.